The following is an entry in ClinVar:

NM_001009944.3(PKD1):c.3162-1G>T

Gene: PKD1 (polycystin 1, transient receptor potential channel interacting; minus strand). Cytogenetic location: 16p13.3.
Variant type: single nucleotide variant.
Coding change: c.3162-1G>T on transcript NM_001009944.3 (MANE Select); the canonical splice acceptor site of the intron before coding-DNA position 3162, G replaced by T.
Molecular consequence: splice acceptor variant.
Genome position (GRCh38, 1-based): chr16:2,112,474, C>A on the plus strand (G>T on the coding strand, the complement: PKD1 is on the minus strand). VCF-style: chr16-2112474-C-A. GRCh37 (hg19) VCF-style: chr16-2162475-C-A.
Other names: c.3162-1G>T (NM_000296.4).
Identifiers: ClinVar variation 3236176 (VCV003236176.1), dbSNP rs2544837759, ClinGen allele CA394383809.
Genomic context (GRCh38, chr16:2,112,474, plus strand): 5'-GACTCGTTGTACGGAGGCTGGAACTGGTGGAGGGCCTGCTCCCCATCCCCAAAGGTCCAC[C>A]TGCCGGGGCGGTGGGACGCAGTGAGTGAACCGGGACAGGGGTGGGCGGTGGCGGGGCAGG-3'

ClinVar aggregate classification (germline): Pathogenic (1 of 4 stars; one submission).

Conditions:
Polycystic kidney disease, adult type (PKD1). Also called: Polycystic Kidney Disease 1, Autosomal Dominant; Polycystic kidney disease 1; Polycystic kidney disease 1, severe; Polycystic Kidney, Autosomal Dominant; POLYCYSTIC KIDNEY DISEASE 1 WITH OR WITHOUT POLYCYSTIC LIVER DISEASE; POLYCYSTIC KIDNEY DISEASE, ADULT, TYPE I. Identifiers: MedGen C3149841, MONDO:0008263, OMIM 173900.

Submission:

MVZ Medizinische Genetik Mainz
Classification: Pathogenic for Polycystic kidney disease, adult type. Last evaluated: 2022-05-18. Review status: criteria provided, single submitter. Criteria: UK Practice Guidelines For Variant Classification V4 01 2020. Collection method: clinical testing. Allele origin: germline. Inheritance: Autosomal dominant inheritance. Affected: yes. Observed: 1 variant allele.
Comment: ACMG Criteria: PVS1, PM2_SUP, PP4